The following is an entry in ClinVar:

ClinVar aggregate classification (germline): Uncertain significance (1 of 4 stars; one submission).

Conditions:
Inborn genetic diseases. Identifiers: MedGen C0950123, MeSH D030342.

Submission:

Ambry Genetics
Classification: Uncertain significance for Inborn genetic diseases. Last evaluated: 2019-12-30. Review status: criteria provided, single submitter. Criteria: Ambry Variant Classification Scheme 2023. Collection method: clinical testing. Allele origin: germline.
Comment: The alteration results in an amino acid change:_x000D_ _x000D_ The c.1585T>C (p.W529R) alteration is located in coding exon 12 of the FBXO11 gene. This alteration results from a T to C substitution at nucleotide position 1585, causing the tryptophan (W) at amino acid position 529 to be replaced by an arginine (R). The alteration is not observed in population databases: _x000D_ _x000D_ Based on data from the Genome Aggregation Database (gnomAD), the FBXO11 c.1585T>C alteration was not observed, with coverage at this position. The altered amino acid is conserved throughout evolution:_x000D_ _x000D_ The p.W529 amino acid is conserved in available vertebrate species. The alteration is predicted deleterious by in silico modeling:_x000D_ _x000D_ The p.W529R alteration is predicted to be deleterious by in silico analysis. Based on insufficient or conflicting evidence, the clinical significance of this alteration remains unclear.

NM_001190274.2(FBXO11):c.1585T>C (p.Trp529Arg)

Gene: FBXO11 (F-box protein 11; minus strand). Cytogenetic location: 2p16.3.
Variant type: single nucleotide variant.
Coding change: c.1585T>C on transcript NM_001190274.2 (MANE Select); coding-DNA position 1585, T replaced by C.
Protein change: p.Trp529Arg; replaces tryptophan 529 with arginine.
Molecular consequence: missense variant.
Genome position (GRCh38, 1-based): chr2:47,823,174, A>G on the plus strand (T>C on the coding strand, the complement: FBXO11 is on the minus strand). VCF-style: chr2-47823174-A-G. GRCh37 (hg19) VCF-style: chr2-48050313-A-G.
Other names: c.1333T>C, p.Trp445Arg (NM_001374325.1, NM_025133.4); short protein forms W445R, W529R.
Identifiers: ClinVar variation 985496 (VCV000985496.4), dbSNP rs1671511835, ClinGen allele CA346764709.